The following is an entry in ClinVar:

NM_030957.4(ADAMTS10):c.2477C>A (p.Pro826His)

Gene: ADAMTS10 (ADAM metallopeptidase with thrombospondin type 1 motif 10; minus strand). Cytogenetic location: 19p13.2.
Variant type: single nucleotide variant.
Coding change: c.2477C>A on transcript NM_030957.4 (MANE Select); coding-DNA position 2477, C replaced by A.
Protein change: p.Pro826His; replaces proline 826 with histidine.
Molecular consequence: missense variant.
Genome position (GRCh38, 1-based): chr19:8,586,397, G>T on the plus strand (C>A on the coding strand, the complement: ADAMTS10 is on the minus strand). VCF-style: chr19-8586397-G-T. GRCh37 (hg19) VCF-style: chr19-8651281-G-T.
Other names: c.938C>A, p.Pro313His (NM_001282352.2); short protein forms P313H, P826H.
Identifiers: ClinVar variation 1026447 (VCV001026447.4), dbSNP rs151228380, ClinGen allele CA9160090.
Genomic context (GRCh38, chr19:8,586,397, plus strand): 5'-GCCTCACCGCCTGCACACTGGGCCGAGCACTTGGTCCAGGGCGCATAGTGCCAGGAGTAG[G>T]GGGGCAGCGAGTCACGGGCGATGGGGGCATTGAAGCGGTAGCGGAGGGCAGGCAGCTCGG-3'
Protein context (NP_112219.3, residues 816-836): NAPIARDSLP[Pro826His]YSWHYAPWTK

ClinVar aggregate classification (germline): Uncertain significance (1 of 4 stars; one submission).

Allele frequency attached by ClinVar (database versions not stated): gnomAD exomes 0.00002 and 0.00006; ExAC 0.00008; ESP Exome Variant Server 0.00023; gnomAD 0.00025 and 0.00026; TOPMed 0.00027; 1000 Genomes Project 30x 0.00031; 1000 Genomes Project 0.00040.
gnomAD v4.1: 73 of 1,613,956 alleles (0.0045%); highest among the groups gnomAD compares: African/African-American, 0.087%; no homozygotes.

Submission:

Labcorp Genetics (formerly Invitae), Labcorp
Classification: Uncertain significance. Last evaluated: 2022-08-16. Review status: criteria provided, single submitter. Criteria: Invitae Variant Classification Sherloc (09022015). Collection method: clinical testing. Allele origin: germline.
Comment: This sequence change replaces proline, which is neutral and non-polar, with histidine, which is basic and polar, at codon 826 of the ADAMTS10 protein (p.Pro826His). This variant is present in population databases (rs151228380, gnomAD 0.1%). This variant has not been reported in the literature in individuals affected with ADAMTS10-related conditions. ClinVar contains an entry for this variant (Variation ID: 1026447). Algorithms developed to predict the effect of missense changes on protein structure and function (SIFT, PolyPhen-2, Align-GVGD) all suggest that this variant is likely to be tolerated. In summary, the available evidence is currently insufficient to determine the role of this variant in disease. Therefore, it has been classified as a Variant of Uncertain Significance.